The following is an entry in ClinVar:

NM_025000.4(DCAF17):c.1422+3G>A

Gene: DCAF17 (DDB1 and CUL4 associated factor 17; plus strand). Cytogenetic location: 2q31.1.
Variant type: single nucleotide variant.
Coding change: c.1422+3G>A on transcript NM_025000.4 (MANE Select); 3 bases into the intron after coding-DNA position 1422, G replaced by A.
Molecular consequence: intron variant.
Genome position (GRCh38, 1-based): chr2:171,480,196, G>A. VCF-style: chr2-171480196-G-A. GRCh37 (hg19) VCF-style: chr2-172336706-G-A.
Other names: c.1221+3G>A (NM_001164821.2).
Identifiers: ClinVar variation 2720050 (VCV002720050.1), dbSNP rs748802684, ClinGen allele CA1964966.

ClinVar aggregate classification (germline): Uncertain significance (1 of 4 stars; one submission).

Conditions:
Woodhouse-Sakati syndrome. Also called: Hypogonadism, Alopecia, Diabetes Mellitus, Mental Retardation, and Extrapyramidal Syndrome; Hypogonadism, diabetes mellitus, alopecia, mental retardation and electrocardiographic abnormalities; EXTRAPYRAMIDAL DISORDER, PROGRESSIVE, WITH PRIMARY HYPOGONADISM, MENTAL RETARDATION, AND ALOPECIA. Identifiers: Orphanet 3464, MedGen C0342286, MONDO:0009419, OMIM 241080.

Allele frequency attached by ClinVar (database versions not stated): gnomAD 0.00001; ExAC 0.00002; gnomAD exomes 0.00002; TOPMed 0.00004.
gnomAD v4.1: 39 of 1,612,992 alleles (0.0024%); highest among the groups gnomAD compares: Admixed American, 0.013%; no homozygotes.

Submission:

Labcorp Genetics (formerly Invitae), Labcorp
Classification: Uncertain significance for Woodhouse-Sakati syndrome. Last evaluated: 2023-12-31. Review status: criteria provided, single submitter. Criteria: Invitae Variant Classification Sherloc (09022015). Collection method: clinical testing. Allele origin: germline.
Comment: This sequence change falls in intron 13 of the DCAF17 gene. It does not directly change the encoded amino acid sequence of the DCAF17 protein. It affects a nucleotide within the consensus splice site. This variant is present in population databases (rs748802684, gnomAD 0.01%). This variant has not been reported in the literature in individuals affected with DCAF17-related conditions. Variants that disrupt the consensus splice site are a relatively common cause of aberrant splicing (PMID: 17576681, 9536098). Algorithms developed to predict the effect of sequence changes on RNA splicing suggest that this variant is not likely to affect RNA splicing. In summary, the available evidence is currently insufficient to determine the role of this variant in disease. Therefore, it has been classified as a Variant of Uncertain Significance.

Literature cited by the submitters: PubMed 17576681; PubMed 9536098.